The following is an entry in ClinVar:

ClinVar aggregate classification (germline): Conflicting classifications of pathogenicity. Review status: criteria provided, conflicting classifications (1 of 4 stars). 2 submissions from 2 submitters: Uncertain significance (1); Likely benign (1). Last evaluated 2025-02-01.

Conditions:
Rienhoff syndrome. Also called: LOEYS-DIETZ SYNDROME 5. Identifiers: MedGen C3810012, MONDO:0014262, OMIM 615582.
Familial thoracic aortic aneurysm and aortic dissection (TAAD). Also called: Thoracic aortic aneurysms and dissections. Identifiers: Orphanet 91387, MedGen C4707243, MONDO:0019625.

Allele frequency attached by ClinVar (database versions not stated): ExAC 0.00001; gnomAD 0.00001; TOPMed 0.00001; ESP Exome Variant Server 0.00008.
gnomAD v4.1: 11 of 1,613,926 alleles (0.00068%); highest among the groups gnomAD compares: African/African-American, 0.004%; no homozygotes.

Submissions (2):

Ambry Genetics
Classification: Likely benign for Familial thoracic aortic aneurysm and aortic dissection. Last evaluated: 2025-02-01. Review status: criteria provided, single submitter. Criteria: Ambry Variant Classification Scheme 2023. Collection method: clinical testing. Allele origin: germline.

Labcorp Genetics (formerly Invitae), Labcorp
Classification: Uncertain significance for Rienhoff syndrome. Last evaluated: 2023-08-24. Review status: criteria provided, single submitter. Criteria: Invitae Variant Classification Sherloc (09022015). Collection method: clinical testing. Allele origin: germline.
Comment: This sequence change replaces asparagine, which is neutral and polar, with serine, which is neutral and polar, at codon 305 of the TGFB3 protein (p.Asn305Ser). This variant is present in population databases (rs369281541, gnomAD 0.01%). This variant has not been reported in the literature in individuals affected with TGFB3-related conditions. ClinVar contains an entry for this variant (Variation ID: 1438649). Advanced modeling of protein sequence and biophysical properties (such as structural, functional, and spatial information, amino acid conservation, physicochemical variation, residue mobility, and thermodynamic stability) performed at Invitae indicates that this missense variant is not expected to disrupt TGFB3 protein function. In summary, the available evidence is currently insufficient to determine the role of this variant in disease. Therefore, it has been classified as a Variant of Uncertain Significance.

NM_003239.5(TGFB3):c.914A>G (p.Asn305Ser)

Gene: TGFB3 (transforming growth factor beta 3; minus strand). Cytogenetic location: 14q24.3.
Variant type: single nucleotide variant.
Coding change: c.914A>G on transcript NM_003239.5 (MANE Select); coding-DNA position 914, A replaced by G.
Protein change: p.Asn305Ser; replaces asparagine 305 with serine.
Molecular consequence: missense variant.
Genome position (GRCh38, 1-based): chr14:75,963,328, T>C on the plus strand (A>G on the coding strand, the complement: TGFB3 is on the minus strand). VCF-style: chr14-75963328-T-C. GRCh37 (hg19) VCF-style: chr14-76429671-T-C.
Other names: c.914A>G, p.Asn305Ser (NM_001329938.2, NM_001329939.2); short protein forms N305S.
Identifiers: ClinVar variation 1438649 (VCV001438649.12), dbSNP rs369281541, ClinGen allele CA7280311.
Genomic context (GRCh38, chr14:75,963,328, plus strand): 5'-GCAGTAGGCAGGCAGTAGATGTTGGTTCCCATGTGGGCCCAGTCTCACCGGAAGCAGTAA[T>C]TGGTGTCCAAAGCCCGCTTCTTCCTCTGACCCCCCTGGCCCGGGTTGTCGAGCCGGTGTG-3'
Protein context (NP_003230.1, residues 295-315): GQRKKRALDT[Asn305Ser]YCFRNLEENC